The following is an entry in ClinVar:

ClinVar aggregate classification (germline): Uncertain significance. Review status: criteria provided, multiple submitters, no conflicts (2 of 4 stars). 2 submissions from 2 submitters: Uncertain significance (2). Last evaluated 2025-11-07.

Allele frequency attached by ClinVar (database versions not stated): ExAC 0.00001; gnomAD 0.00001; gnomAD exomes 0.00001; TOPMed 0.00002.

Submissions (2):

Ambry Genetics
Classification: Uncertain significance. Last evaluated: 2025-11-07. Review status: criteria provided, single submitter. Criteria: Ambry Variant Classification Scheme 2023. Collection method: clinical testing. Allele origin: germline.

Labcorp Genetics (formerly Invitae), Labcorp
Classification: Uncertain significance. Last evaluated: 2025-05-01. Review status: criteria provided, single submitter. Criteria: Invitae Variant Classification Sherloc (09022015). Collection method: clinical testing. Allele origin: germline.
Comment: This sequence change replaces aspartic acid, which is acidic and polar, with asparagine, which is neutral and polar, at codon 513 of the ACOX2 protein (p.Asp513Asn). This variant is present in population databases (rs756400293, gnomAD 0.002%). This variant has not been reported in the literature in individuals affected with ACOX2-related conditions. ClinVar contains an entry for this variant (Variation ID: 2458245). Invitae Evidence Modeling of protein sequence and biophysical properties (such as structural, functional, and spatial information, amino acid conservation, physicochemical variation, residue mobility, and thermodynamic stability) indicates that this missense variant is not expected to disrupt ACOX2 protein function with a negative predictive value of 80%. In summary, the available evidence is currently insufficient to determine the role of this variant in disease. Therefore, it has been classified as a Variant of Uncertain Significance.

NM_003500.4(ACOX2):c.1537G>A (p.Asp513Asn)

Gene: ACOX2 (acyl-CoA oxidase 2; minus strand). Cytogenetic location: 3p14.3.
Variant type: single nucleotide variant.
Coding change: c.1537G>A on transcript NM_003500.4 (MANE Select); coding-DNA position 1537, G replaced by A.
Protein change: p.Asp513Asn; replaces aspartic acid 513 with asparagine.
Molecular consequence: missense variant.
Genome position (GRCh38, 1-based): chr3:58,522,591, C>T on the plus strand (G>A on the coding strand, the complement: ACOX2 is on the minus strand). VCF-style: chr3-58522591-C-T. GRCh37 (hg19) VCF-style: chr3-58508318-C-T.
Other names: short protein forms D513N.
Identifiers: ClinVar variation 2458245 (VCV002458245.4), dbSNP rs756400293, ClinGen allele CA2472026.
Genomic context (GRCh38, chr3:58,522,591, plus strand): 5'-TCCAAGCCTCGTGCTGGTCAGCTCCGGATTGCGTCAGGGTCTGTAAATGCTGCACTGAGT[C>T]CTTTATGAGCCTGAAAGCCAAAGCAAAAAAGGTTCAGCTTCCTGACTGAGTGGAAAAGAC-3'
Protein context (NP_003491.1, residues 503-523): WAHVAVRLIK[Asp513Asn]SVQHLQTLTQ